The following is an entry in ClinVar:

ClinVar aggregate classification (germline): Benign/Likely benign. Review status: criteria provided, multiple submitters, no conflicts (2 of 4 stars). 3 submissions from 3 submitters: Benign (1); Likely benign (2). Last evaluated 2026-01-28.

Conditions:
Mucolipidosis type II. Also called: Mucolipidosis 2; ML 2; Inclusion cell disease; Leroy Disease; N-acetylglucosamine 1phosphotransferase deficiency; ML disorder type 2. Identifiers: Orphanet 576, MedGen C2673377, MONDO:0009650, OMIM 252500.
Pseudo-Hurler polydystrophy. Also called: Mucolipidosis III Alpha/Beta; ML III; ML III ALPHA/BETA; MUCOLIPIDOSIS IIIA; Type III Mucolipidosis; ML IIIA. Identifiers: Orphanet 423461, Orphanet 577, MedGen C0033788, MONDO:0018931, OMIM 252600.

Allele frequency attached by ClinVar (database versions not stated): ESP Exome Variant Server 0.00008; gnomAD exomes 0.00008 and 0.00013; gnomAD 0.00009 and 0.00010; TOPMed 0.00010; ExAC 0.00013.
gnomAD v4.1: 146 of 1,611,404 alleles (0.0091%); highest among the groups gnomAD compares: Middle Eastern, 0.033%; no homozygotes.

Submissions (3):

Labcorp Genetics (formerly Invitae), Labcorp
Classification: Benign for Pseudo-Hurler polydystrophy; Mucolipidosis type II. Last evaluated: 2026-01-28. Review status: criteria provided, single submitter. Criteria: Invitae Variant Classification Sherloc (09022015). Collection method: clinical testing. Allele origin: germline.

Mayo Clinic Laboratories, Mayo Clinic
Classification: Likely benign. Last evaluated: 2024-10-29. Review status: criteria provided, single submitter. Criteria: ACMG Guidelines, 2015. Collection method: clinical testing. Allele origin: germline. Observed: 1 variant allele.
Comment: BP4, BP7

Blueprint Genetics
Classification: Likely benign. Last evaluated: 2024-08-08. Review status: criteria provided, single submitter. Criteria: ACMG Guidelines, 2015. Collection method: clinical testing. Allele origin: germline.

NM_024312.5(GNPTAB):c.2915+15T>C

Gene: GNPTAB (N-acetylglucosamine-1-phosphate transferase subunits alpha and beta; minus strand). Cytogenetic location: 12q23.2.
Variant type: single nucleotide variant.
Coding change: c.2915+15T>C on transcript NM_024312.5 (MANE Select); 15 bases into the intron after coding-DNA position 2915, T replaced by C.
Molecular consequence: intron variant.
Genome position (GRCh38, 1-based): chr12:101,761,549, A>G on the plus strand (T>C on the coding strand, the complement: GNPTAB is on the minus strand). VCF-style: chr12-101761549-A-G. GRCh37 (hg19) VCF-style: chr12-102155327-A-G.
Other names: p.?.
Identifiers: ClinVar variation 1572674 (VCV001572674.10), dbSNP rs201970402, ClinGen allele CA6746318.
Genomic context (GRCh38, chr12:101,761,549, plus strand): 5'-CATGGTAAATATGCACATTTCAAGTAGCCTTAGTTCTGAACACAAGCAAACAACTCAAAC[A>G]CGAGCAAGACTTACATATCTTGCAGTTCTTGCATAACAATCCGGTCAATCATGTGAGGCA-3'